The following is an entry in ClinVar:

ClinVar aggregate classification (germline): Uncertain significance. Review status: criteria provided, multiple submitters, no conflicts (2 of 4 stars). 2 submissions from 2 submitters: Uncertain significance (2). Last evaluated 2025-10-13.

Conditions:
PAX6-related disorder. Also called: PAX6-related disorders; PAX6-related condition.
Aniridia 1 (AN1). Identifiers: Orphanet 250923, MedGen C0344542, MONDO:0024507, OMIM 106210.
Irido-corneo-trabecular dysgenesis (ASGD5). Also called: ANTERIOR SEGMENT DYSGENESIS 5. Identifiers: Orphanet 708, MedGen C0344559, MONDO:0011414, OMIM 604229, HP:0000659.

gnomAD v4.1: 4 of 1,614,038 alleles (0.00025%); highest among the groups gnomAD compares: Admixed American, 0.005%; no homozygotes.

Submissions (2):

PreventionGenetics, part of Exact Sciences
Classification: Uncertain significance for PAX6-related condition. Last evaluated: 2025-10-13. Review status: criteria provided, single submitter. Criteria: ACMG Guidelines, 2015. Collection method: clinical testing. Allele origin: germline.
Comment: The PAX6 c.1171A>T variant is predicted to result in the amino acid substitution p.Met391Leu. To our knowledge, this variant has not been reported in the literature. This variant is present in 0.0087% of alleles in individuals of Latino descent in gnomAD. At this time, the clinical significance of this variant is uncertain due to the absence of conclusive functional and genetic evidence.

Labcorp Genetics (formerly Invitae), Labcorp
Classification: Uncertain significance for Aniridia 1; Irido-corneo-trabecular dysgenesis. Last evaluated: 2025-08-05. Review status: criteria provided, single submitter. Criteria: Invitae Variant Classification Sherloc (09022015). Collection method: clinical testing. Allele origin: germline.
Comment: This sequence change replaces methionine, which is neutral and non-polar, with leucine, which is neutral and non-polar, at codon 377 of the PAX6 protein (p.Met377Leu). This variant is present in population databases (rs752871485, gnomAD 0.009%). This variant has not been reported in the literature in individuals affected with PAX6-related conditions. Invitae Evidence Modeling of protein sequence and biophysical properties (such as structural, functional, and spatial information, amino acid conservation, physicochemical variation, residue mobility, and thermodynamic stability) indicates that this missense variant is not expected to disrupt PAX6 protein function with a negative predictive value of 95%. In summary, the available evidence is currently insufficient to determine the role of this variant in disease. Therefore, it has been classified as a Variant of Uncertain Significance.

NM_001368894.2(PAX6):c.1171A>T (p.Met391Leu)

Gene: PAX6 (paired box 6; minus strand). Cytogenetic location: 11p13.
Variant type: single nucleotide variant.
Coding change: c.1171A>T on transcript NM_001368894.2 (MANE Select); coding-DNA position 1171, A replaced by T.
Protein change: p.Met391Leu; replaces methionine 391 with leucine.
Molecular consequence: missense variant. On other transcripts: non-coding transcript variant (1), intron variant (9).
Genome position (GRCh38, 1-based): chr11:31,790,764, T>A on the plus strand (A>T on the coding strand, the complement: PAX6 is on the minus strand). VCF-style: chr11-31790764-T-A. GRCh37 (hg19) VCF-style: chr11-31812312-T-A.
Other names: c.1129A>T, p.Met377Leu (NM_000280.6, NM_001127612.3, NM_001258464.2 and 6 more transcripts); c.1171A>T, p.Met391Leu (NM_001258462.3, NM_001258463.2, NM_001310158.2 and 3 more transcripts); c.721A>T, p.Met241Leu (NM_001310160.2, NM_001310161.3, NM_001368899.2 and 10 more transcripts); c.1246A>T, p.Met416Leu (NM_001368918.2, NM_001368919.2); c.1204A>T, p.Met402Leu (NM_001368920.2); c.970A>T, p.Met324Leu (NM_001368922.2, NM_001368923.2, NM_001368924.2 and 3 more transcripts); c.928A>T, p.Met310Leu (NM_001368928.2); c.526A>T, p.Met176Leu (NM_001368930.2); and 7 more; short protein forms M324L, M377L, M416L, M176L, M402L, M458L, M241L, M310L.
Identifiers: ClinVar variation 4793594 (VCV004793594.2).
Genomic context (GRCh38, chr11:31,790,764, plus strand): 5'-GCTCACCTGTTGAAGTGGTGCCCGAGGTGCCCATTGGCTGACTGTTCATGTGTGTCTGCA[T>A]ATGTGGGGGGGTGTAGGTATCATAACTCCGCCCATTCACCGAAGGGCTGGTGGGCAGCAT-3'
Protein context (NP_001355823.1, residues 381-401): RSYDTYTPPH[Met391Leu]QTHMNSQPMG